The following is an entry in ClinVar:

NM_004519.4(KCNQ3):c.386+32944G>A

Gene: KCNQ3 (potassium voltage-gated channel subfamily Q member 3; minus strand). Cytogenetic location: 8q24.22.
Variant type: single nucleotide variant.
Coding change: c.386+32944G>A on transcript NM_004519.4 (MANE Select); 32944 bases into the intron after coding-DNA position 386, G replaced by A.
Molecular consequence: intron variant. On other transcripts: synonymous variant (1).
Genome position (GRCh38, 1-based): chr8:132,447,203, C>T on the plus strand (G>A on the coding strand, the complement: KCNQ3 is on the minus strand). VCF-style: chr8-132447203-C-T. GRCh37 (hg19) VCF-style: chr8-133459450-C-T.
Other names: c.24G>A, p.Thr8= (NM_001204824.2).
Identifiers: ClinVar variation 3024717 (VCV003024717.22), dbSNP rs922121305, ClinGen allele CA186254743.

ClinVar aggregate classification (germline): Likely benign (1 of 4 stars; one submission).

Allele frequency attached by ClinVar (database versions not stated): TOPMed 0.00003; gnomAD 0.00004; gnomAD exomes 0.00005.
gnomAD v4.1: 71 of 1,535,162 alleles (0.0046%); highest among the groups gnomAD compares: Non-Finnish European, 0.0058%; no homozygotes.

Submission:

CeGaT Center for Human Genetics Tuebingen
Classification: Likely benign. Last evaluated: 2024-01-01. Review status: criteria provided, single submitter. Criteria: CeGaT Center For Human Genetics Tuebingen Variant Classification Criteria Version 2. Collection method: clinical testing. Allele origin: germline. Affected: yes. Observed: 1 variant allele.
Comment: KCNQ3: BP4, BP7